The following is an entry in ClinVar:

ClinVar aggregate classification (germline): Uncertain significance (1 of 4 stars; one submission).

Submission:

Labcorp Genetics (formerly Invitae), Labcorp
Classification: Uncertain significance. Last evaluated: 2024-12-09. Review status: criteria provided, single submitter. Criteria: Invitae Variant Classification Sherloc (09022015). Collection method: clinical testing. Allele origin: germline.
Comment: This sequence change replaces arginine, which is basic and polar, with serine, which is neutral and polar, at codon 179 of the FBXL4 protein (p.Arg179Ser). This variant is not present in population databases (gnomAD no frequency). This variant has not been reported in the literature in individuals affected with FBXL4-related conditions. ClinVar contains an entry for this variant (Variation ID: 1963351). Invitae Evidence Modeling of protein sequence and biophysical properties (such as structural, functional, and spatial information, amino acid conservation, physicochemical variation, residue mobility, and thermodynamic stability) indicates that this missense variant is not expected to disrupt FBXL4 protein function with a negative predictive value of 95%. In summary, the available evidence is currently insufficient to determine the role of this variant in disease. Therefore, it has been classified as a Variant of Uncertain Significance.

NM_001278716.2(FBXL4):c.537A>T (p.Arg179Ser)

Gene: FBXL4 (F-box and leucine rich repeat protein 4; minus strand). Cytogenetic location: 6q16.2.
Variant type: single nucleotide variant.
Coding change: c.537A>T on transcript NM_001278716.2 (MANE Select); coding-DNA position 537, A replaced by T.
Protein change: p.Arg179Ser; replaces arginine 179 with serine.
Molecular consequence: missense variant.
Genome position (GRCh38, 1-based): chr6:98,917,695, T>A on the plus strand (A>T on the coding strand, the complement: FBXL4 is on the minus strand). VCF-style: chr6-98917695-T-A. GRCh37 (hg19) VCF-style: chr6-99365571-T-A.
Other names: c.537A>T, p.Arg179Ser (NM_012160.5); short protein forms R179S.
Identifiers: ClinVar variation 1963351 (VCV001963351.5), dbSNP rs191658390, ClinGen allele CA365084605.